The following is an entry in ClinVar:

NM_000090.4(COL3A1):c.1010C>T (p.Pro337Leu)

Gene: COL3A1 (collagen type III alpha 1 chain; plus strand). Cytogenetic location: 2q32.2.
Variant type: single nucleotide variant.
Coding change: c.1010C>T on transcript NM_000090.4 (MANE Select); coding-DNA position 1010, C replaced by T.
Protein change: p.Pro337Leu; replaces proline 337 with leucine.
Molecular consequence: missense variant.
Genome position (GRCh38, 1-based): chr2:188,992,900, C>T. VCF-style: chr2-188992900-C-T. GRCh37 (hg19) VCF-style: chr2-189857626-C-T.
Other names: short protein forms P337L.
Identifiers: ClinVar variation 920045 (VCV000920045.4), dbSNP rs1688217484, ClinGen allele CA349850584.

ClinVar aggregate classification (germline): Uncertain significance (1 of 4 stars; one submission).

Conditions:
Familial thoracic aortic aneurysm and aortic dissection (TAAD). Also called: Thoracic aortic aneurysms and dissections. Identifiers: Orphanet 91387, MedGen C4707243, MONDO:0019625.

Allele frequency attached by ClinVar (database versions not stated): TOPMed below 0.00001.

Submission:

Color Diagnostics, LLC DBA Color Health
Classification: Uncertain significance for Familial thoracic aortic aneurysm and aortic dissection. Last evaluated: 2024-03-06. Review status: criteria provided, single submitter. Criteria: ACMG Guidelines, 2015. Collection method: clinical testing. Allele origin: germline.
Comment: This missense variant replaces proline with leucine at codon 337 of the COL3A1 protein. Computational prediction is inconclusive regarding the impact of this variant on protein structure and function (internally defined REVEL score threshold 0.5 < inconclusive < 0.7, PMID: 27666373). Splice site prediction tools suggest that this variant may not impact RNA splicing. To our knowledge, functional studies have not been reported for this variant. This variant has not been reported in individuals affected with cardiovascular disorders in the literature. This variant has not been identified in the general population by the Genome Aggregation Database (gnomAD). The available evidence is insufficient to determine the role of this variant in disease conclusively. Therefore, this variant is classified as a Variant of Uncertain Significance.